The following is an entry in ClinVar:

NM_012123.4(MTO1):c.1637+3A>G

Gene: MTO1 (mitochondrial tRNA translation optimization 1; plus strand). Cytogenetic location: 6q13.
Variant type: single nucleotide variant.
Coding change: c.1637+3A>G on transcript NM_012123.4 (MANE Select); 3 bases into the intron after coding-DNA position 1637, A replaced by G.
Molecular consequence: intron variant.
Genome position (GRCh38, 1-based): chr6:73,482,623, A>G. VCF-style: chr6-73482623-A-G. GRCh37 (hg19) VCF-style: chr6-74192346-A-G.
Other names: c.1712+3A>G (NM_133645.3); c.1757+3A>G (NM_001123226.2).
Identifiers: ClinVar variation 2139502 (VCV002139502.3), dbSNP rs761797198, ClinGen allele CA2580075775.

ClinVar aggregate classification (germline): Uncertain significance (1 of 4 stars; one submission).

Conditions:
Mitochondrial hypertrophic cardiomyopathy with lactic acidosis due to MTO1 deficiency. Also called: Combined oxidative phosphorylation deficiency 10; CARDIOMYOPATHY, INFANTILE HYPERTROPHIC MITOCHONDRIAL, AND LACTIC ACIDOSIS. Identifiers: Orphanet 314637, MedGen C4749921, MONDO:0013865, OMIM 614702.

Allele frequency attached by ClinVar (database versions not stated): gnomAD exomes below 0.00001.
gnomAD v4.1: 3 of 1,588,842 alleles (0.00019%); highest among the groups gnomAD compares: African/African-American, 0.0014%; no homozygotes.

Submission:

Labcorp Genetics (formerly Invitae), Labcorp
Classification: Uncertain significance for Mitochondrial hypertrophic cardiomyopathy with lactic acidosis due to MTO1 deficiency. Last evaluated: 2023-05-23. Review status: criteria provided, single submitter. Criteria: Invitae Variant Classification Sherloc (09022015). Collection method: clinical testing. Allele origin: germline.
Comment: In summary, the available evidence is currently insufficient to determine the role of this variant in disease. Therefore, it has been classified as a Variant of Uncertain Significance. Variants that disrupt the consensus splice site are a relatively common cause of aberrant splicing (PMID: 17576681, 9536098). Algorithms developed to predict the effect of sequence changes on RNA splicing suggest that this variant is not likely to affect RNA splicing. This variant is not present in population databases (gnomAD no frequency). This sequence change falls in intron 9 of the MTO1 gene. It does not directly change the encoded amino acid sequence of the MTO1 protein. It affects a nucleotide within the consensus splice site. This variant has not been reported in the literature in individuals affected with MTO1-related conditions. ClinVar contains an entry for this variant (Variation ID: 2139502).

Literature cited by the submitters: PubMed 17576681; PubMed 9536098.